The following is an entry in ClinVar:

ClinVar aggregate classification (germline): Uncertain significance (1 of 4 stars; one submission).

Submission:

Labcorp Genetics (formerly Invitae), Labcorp
Classification: Uncertain significance. Last evaluated: 2021-11-05. Review status: criteria provided, single submitter. Criteria: Invitae Variant Classification Sherloc (09022015). Collection method: clinical testing. Allele origin: germline.
Comment: This variant, c.244_246del, results in the deletion of 1 amino acid(s) of the VCAN protein (p.Thr82del), but otherwise preserves the integrity of the reading frame. In summary, the available evidence is currently insufficient to determine the role of this variant in disease. Therefore, it has been classified as a Variant of Uncertain Significance. Experimental studies and prediction algorithms are not available or were not evaluated, and the functional significance of this variant is currently unknown. This variant has not been reported in the literature in individuals affected with VCAN-related conditions. This variant is not present in population databases (gnomAD no frequency).

NM_004385.5(VCAN):c.241ACT[1] (p.Thr82del)

Gene: VCAN (versican; plus strand). Cytogenetic location: 5q14.2.
Variant type: Microsatellite.
Coding change: c.241ACT[1] on transcript NM_004385.5 (MANE Select); one copy of the 3-base unit ACT starting at c.241; the reference has two copies in a row; one copy, 3 bases deleted.
Protein change: p.Thr82del; deletes threonine 82.
Molecular consequence: inframe deletion.
Genome position (GRCh38, 1-based): chr5:83,490,271-83,490,273, ACT deleted; deleting any 3 consecutive bases within chr5:83,490,268-83,490,273 gives the same sequence; the position shown is the placement nearest the transcript's 3' end. VCF-style (leftmost placement, unchanged base first): chr5-83490267-GACT-G. GRCh37 (hg19) VCF-style: chr5-82786086-GACT-G.
Other names: c.241ACT[1], p.Thr82del (NM_001126336.3, NM_001164097.2, NM_001164098.2); short protein forms T82del.
Identifiers: ClinVar variation 1034875 (VCV001034875.7), dbSNP rs1744935945, ClinGen allele CA1559738157.